The following is an entry in ClinVar:

NM_000701.8(ATP1A1):c.2445C>G (p.Asp815Glu)

Genes: ATP1A1 (ATPase Na+/K+ transporting subunit alpha 1; plus strand), ATP1A1-AS1 (ATP1A1 antisense RNA 1; minus strand). Cytogenetic location: 1p13.1.
Variant type: single nucleotide variant.
Coding change: c.2445C>G on transcript NM_000701.8 (MANE Select); coding-DNA position 2445, C replaced by G.
Protein change: p.Asp815Glu; replaces aspartic acid 815 with glutamic acid.
Molecular consequence: missense variant. On other transcripts: non-coding transcript variant (1).
Genome position (GRCh38, 1-based): chr1:116,399,081, C>G. VCF-style: chr1-116399081-C-G. GRCh37 (hg19) VCF-style: chr1-116941703-C-G.
Other names: c.2445C>G, p.Asp815Glu (NM_001160233.2); c.2352C>G, p.Asp784Glu (NM_001160234.2); short protein forms D784E, D815E.
Identifiers: ClinVar variation 3390739 (VCV003390739.2).

ClinVar aggregate classification (germline): Uncertain significance (1 of 4 stars; one submission).

Submission:

GeneDx
Classification: Uncertain significance. Last evaluated: 2026-07-03. Review status: criteria provided, single submitter. Criteria: GeneDx Variant Classification Process June 2021. Collection method: clinical testing. Allele origin: germline.
Comment: Not observed at significant frequency in large population cohorts (gnomAD); In silico analysis supports that this missense variant has a deleterious effect on protein structure/function; Has not been previously published as pathogenic or benign to our knowledge